The following is an entry in ClinVar:

NM_001142800.2(EYS):c.7228G>T (p.Ala2410Ser)

Gene: EYS (EGF-like photoreceptor maintenance factor; minus strand). Cytogenetic location: 6q12.
Variant type: single nucleotide variant.
Coding change: c.7228G>T on transcript NM_001142800.2 (MANE Select); coding-DNA position 7228, G replaced by T.
Protein change: p.Ala2410Ser; replaces alanine 2410 with serine.
Molecular consequence: missense variant.
Genome position (GRCh38, 1-based): chr6:63,864,186, C>A on the plus strand (G>T on the coding strand, the complement: EYS is on the minus strand). VCF-style: chr6-63864186-C-A. GRCh37 (hg19) VCF-style: chr6-64574079-C-A.
Other names: c.7228G>T, p.Ala2410Ser (NM_001292009.2); short protein forms A2410S.
Identifiers: ClinVar variation 813181 (VCV000813181.12), dbSNP rs915505702, ClinGen allele CA140252572.
Genomic context (GRCh38, chr6:63,864,186, plus strand): 5'-TTTCTATCCTCTTCACCTCTTTCTGTCTGTGCTCCATGTTTAATAATCAAATGCTCTTAC[C>A]ATCAGTGCAGAGGGGTCCAGACCTCCCATATGGGCAGAGGCAGACAATATCTGTTCCGGA-3'
Protein context (NP_001136272.1, residues 2400-2420): YGRSGPLCTD[Ala2410Ser]INITQPRFSG

ClinVar aggregate classification (germline): Conflicting classifications of pathogenicity. Review status: criteria provided, conflicting classifications (1 of 4 stars). 5 submissions from 5 submitters: Pathogenic (3); Uncertain significance (1). 1 of the submissions does not count toward it. Last evaluated 2025-04-28.

Conditions:
Retinitis pigmentosa 25 (RP25). Identifiers: Orphanet 791, MedGen C1864446, MONDO:0011272, OMIM 602772.
EYS-related disorder. Also called: EYS-related condition.
Central areolar choroidal dystrophy. Identifiers: Orphanet 75377, MedGen C1536451, MONDO:0008982.

gnomAD v4.1: 9 of 1,480,280 alleles (0.00061%); highest among the groups gnomAD compares: Non-Finnish European, 0.00081%; no homozygotes.

Submissions (5):

Labcorp Genetics (formerly Invitae), Labcorp
Classification: Pathogenic. Last evaluated: 2025-04-28. Review status: criteria provided, single submitter. Criteria: Invitae Variant Classification Sherloc (09022015). Collection method: clinical testing. Allele origin: germline.
Comment: This sequence change replaces alanine, which is neutral and non-polar, with serine, which is neutral and polar, at codon 2410 of the EYS protein (p.Ala2410Ser). This variant also falls at the last nucleotide of exon 36, which is part of the consensus splice site for this exon. This variant is present in population databases (no rsID available, gnomAD 0.002%). This missense change has been observed in individuals with retinitis pigmentosa (PMID: 32531858; internal data). ClinVar contains an entry for this variant (Variation ID: 813181). An algorithm developed to predict the effect of missense changes on protein structure and function (PolyPhen-2) suggests that this variant is likely to be tolerated. Variants that disrupt the consensus splice site are a relatively common cause of aberrant splicing (PMID: 17576681, 9536098). Algorithms developed to predict the effect of sequence changes on RNA splicing suggest that this variant may disrupt the consensus splice site. This variant disrupts the c.7228G>T nucleotide in the EYS gene. Other variant(s) that disrupt this nucleotide have been determined to be pathogenic (PMID: 36909829). This suggests that this nucleotide is clinically significant, and that variants that disrupt this position are likely to be disease-causing. For these reasons, this variant has been classified as Pathogenic.

Women's Health and Genetics/Laboratory Corporation of America, LabCorp
Classification: Uncertain significance. Last evaluated: 2023-06-16. Review status: criteria provided, single submitter. Criteria: LabCorp Variant Classification Summary - May 2015. Collection method: clinical testing. Allele origin: germline.
Comment: Variant summary: EYS c.7228G>T (p.Ala2410Ser) results in a conservative amino acid change in the encoded protein sequence. Four of five in-silico tools predict a benign effect of the variant on protein function. In addition, this variant disrupts the last nucleotide of exon 36, and therefore can affect splicing. Several computational tools predict a significant impact on normal splicing: three predict the variant weakens a 5' donor site, and one predicts the variant abolishes a 5' splicing donor site. However, these predictions have yet to be confirmed by functional studies. The variant was absent in 115132 control chromosomes (gnomAD, v2.1 Exomes dataset). The available data on variant occurrences in the general population are insufficient to allow any conclusion about variant significance. c.7228G>T has been reported in the literature in at least one compound heterozygous individual affected with central areolar choroidal dystrophy (e.g., Weisschuh_2020). These data do not allow any conclusion about variant significance. To our knowledge, no experimental evidence demonstrating an impact on protein function has been reported. The following publication was ascertained in the context of this evaluation (PMID: 32531858). Three ClinVar submitters (evaluation after 2014) have cited the variant with conflicting assessments: two submitters classified the variant as uncertain significance, and one submitter classified the variant as pathogenic. Based on the evidence outlined above, the variant was classified as uncertain significance.

Blueprint Genetics
Classification: Pathogenic for EYS-related disorders. Last evaluated: 2021-01-15. Review status: criteria provided, single submitter. Criteria: ACMG Guidelines, 2015. Collection method: clinical testing. Allele origin: germline. Affected: yes. Observed: 5 variant alleles.

Molecular Genetics Laboratory, Institute for Ophthalmic Research
Classification: Pathogenic for Choroidal dystrophy central areolar. Last evaluated: 2020-01-09. Review status: criteria provided, single submitter. Criteria: ACMG Guidelines, 2015. Collection method: research. Allele origin: germline. Affected: yes.

Natera, Inc.
Classification: Uncertain significance for Retinitis pigmentosa type 25. Last evaluated: 2021-04-27. Review status: no assertion criteria provided. Collection method: clinical testing. Allele origin: germline. Not counted in ClinVar's aggregate classification.

Literature cited by the submitters: PubMed 32531858 (cited by Labcorp Genetics (formerly Invitae), Labcorp and Women's Health and Genetics/Laboratory Corporation of America, LabCorp); PubMed 17576681 (cited by Labcorp Genetics (formerly Invitae), Labcorp); PubMed 9536098 (cited by Labcorp Genetics (formerly Invitae), Labcorp); PubMed 36909829 (cited by Labcorp Genetics (formerly Invitae), Labcorp).